The following is an entry in ClinVar:

ClinVar aggregate classification (germline): Benign. Review status: criteria provided, multiple submitters, no conflicts (2 of 4 stars). 7 submissions from 7 submitters: Benign (6). 1 of the submissions does not count toward it. Last evaluated 2026-02-04.

Conditions:
Hereditary spastic paraplegia 49 (HSAN9). Also called: Spastic paraplegia 49, autosomal recessive; NEUROPATHY, HEREDITARY SENSORY AND AUTONOMIC, TYPE IX, WITH DEVELOPMENTAL DELAY; TECPR2-Related Hereditary Sensory and Autonomic Neuropathy with Intellectual Disability. Identifiers: Orphanet 320385, MedGen C5190860, MONDO:0014016, OMIM 615031.
Hereditary spastic paraplegia. Also called: Familial spastic paraparesis. Identifiers: Orphanet 685, MedGen C0037773, MONDO:0019064. Disease mechanism: loss of function.

Allele frequency attached by ClinVar (database versions not stated): gnomAD exomes 0.03356 and 0.03897; ESP Exome Variant Server 0.03437; ExAC 0.03917; gnomAD 0.04149 and 0.04157; 1000 Genomes Project 30x 0.04263; 1000 Genomes Project 0.04293; TOPMed 0.04322.
gnomAD v4.1: 55,480 of 1,612,818 alleles (3.4%); highest among the groups gnomAD compares: Admixed American, 5.7%; 1,112 homozygotes.

Submissions (7):

Labcorp Genetics (formerly Invitae), Labcorp
Classification: Benign for Hereditary spastic paraplegia 49. Last evaluated: 2026-02-04. Review status: criteria provided, single submitter. Criteria: Invitae Variant Classification Sherloc (09022015). Collection method: clinical testing. Allele origin: germline.

Genome Diagnostics Laboratory, The Hospital for Sick Children
Classification: Benign for Hereditary spastic paraplegia. Last evaluated: 2022-01-15. Review status: criteria provided, single submitter. Criteria: ACMG Guidelines, 2015. Collection method: clinical testing. Allele origin: germline. Affected: yes.

SIB Swiss Institute of Bioinformatics
Classification: Benign. Last evaluated: 2018-05-31. Review status: criteria provided, single submitter. Criteria: ACMG Guidelines, 2015. Collection method: curation. Allele origin: unknown.
Comment: This variant is interpreted as a Benign - Stand Alone. The following ACMG Tag(s) were applied: BA1 => Allele frequency is >5% in Exome Sequencing Project, 1000 Genomes Project, or Exome Aggregation Consortium.

Mayo Clinic Laboratories, Mayo Clinic
Classification: Benign. Last evaluated: 2017-07-19. Review status: criteria provided, single submitter. Criteria: ACMG Guidelines, 2015. Collection method: clinical testing. Allele origin: germline. Observed: 51 variant alleles.

GeneDx
Classification: Benign. Last evaluated: 2016-04-15. Review status: criteria provided, single submitter. Criteria: GeneDx Variant Classification (06012015). Collection method: clinical testing. Allele origin: germline. Affected: yes.
Comment: This variant is considered likely benign or benign based on one or more of the following criteria: it is a conservative change, it occurs at a poorly conserved position in the protein, it is predicted to be benign by multiple in silico algorithms, and/or has population frequency not consistent with disease.

Breakthrough Genomics
Classification: Benign. Review status: criteria provided, single submitter. Criteria: ACMG Guidelines, 2015. Collection method: not provided. Allele origin: germline. Inheritance: Autosomal recessive inheritance. Affected: yes.

Natera, Inc.
Classification: Benign for Autosomal recessive spastic paraplegia type 49. Last evaluated: 2020-09-16. Review status: no assertion criteria provided. Collection method: clinical testing. Allele origin: germline. Not counted in ClinVar's aggregate classification.

NM_014844.5(TECPR2):c.1315C>T (p.Pro439Ser)

Gene: TECPR2 (tectonin beta-propeller repeat containing 2; plus strand). Cytogenetic location: 14q32.31.
Variant type: single nucleotide variant.
Coding change: c.1315C>T on transcript NM_014844.5 (MANE Select); coding-DNA position 1315, C replaced by T.
Protein change: p.Pro439Ser; replaces proline 439 with serine.
Molecular consequence: missense variant.
Genome position (GRCh38, 1-based): chr14:102,432,026, C>T. VCF-style: chr14-102432026-C-T. GRCh37 (hg19) VCF-style: chr14-102898363-C-T.
Other names: NM_001172631.2(TECPR2):c.1315C>T(p.Pro439Ser); NM_014844.4(TECPR2):c.1315C>T(p.Pro439Ser); p.Pro439Ser; c.1315C>T (NM_014844.4); c.1315C>T, p.Pro439Ser (NM_001172631.3); short protein forms P439S.
Identifiers: ClinVar variation 380927 (VCV000380927.18), dbSNP rs2273906, ClinGen allele CA7357691.